The following is an entry in ClinVar:

ClinVar aggregate classification (germline): Likely benign (1 of 4 stars; one submission).

gnomAD v4.1: 1 of 700,824 alleles (0.00014%); highest among the groups gnomAD compares: Admixed American, 0.002%; no homozygotes.

Submission:

CeGaT Center for Human Genetics Tuebingen
Classification: Likely benign. Last evaluated: 2026-01-01. Review status: criteria provided, single submitter. Criteria: CeGaT Center For Human Genetics Tuebingen Variant Classification Criteria Version 2. Collection method: clinical testing. Allele origin: germline. Affected: yes. Observed: 1 variant allele.
Comment: GABRA2: BP4

NM_000807.4(GABRA2):c.187+17062T>C

Gene: GABRA2 (gamma-aminobutyric acid type A receptor subunit alpha2; minus strand). Cytogenetic location: 4p12.
Variant type: single nucleotide variant.
Coding change: c.187+17062T>C on transcript NM_000807.4 (MANE Select); 17062 bases into the intron after coding-DNA position 187, T replaced by C.
Molecular consequence: intron variant.
Genome position (GRCh38, 1-based): chr4:46,369,012, A>G on the plus strand (T>C on the coding strand, the complement: GABRA2 is on the minus strand). VCF-style: chr4-46369012-A-G. GRCh37 (hg19) VCF-style: chr4-46371029-A-G.
Other names: c.90+17062T>C (NM_001377154.1, NM_001377152.1, NM_001286827.3 and 1 more transcripts); c.187+17062T>C (NM_001377146.1, NM_001377145.1, NM_001377144.1 and 8 more transcripts).
Identifiers: ClinVar variation 4822824 (VCV004822824.4).